The following is an entry in ClinVar:

ClinVar aggregate classification (germline): Conflicting classifications of pathogenicity. Review status: criteria provided, conflicting classifications (1 of 4 stars). 2 submissions from 2 submitters: Uncertain significance (1); Likely benign (1). Last evaluated 2025-11-19.

Allele frequency attached by ClinVar (database versions not stated): gnomAD 0.00001; TOPMed 0.00001; gnomAD exomes 0.00001.
gnomAD v4.1: 12 of 1,549,060 alleles (0.00077%); highest among the groups gnomAD compares: Admixed American, 0.002%; no homozygotes.

Submissions (2):

Labcorp Genetics (formerly Invitae), Labcorp
Classification: Uncertain significance. Last evaluated: 2025-11-19. Review status: criteria provided, single submitter. Criteria: Invitae Variant Classification Sherloc (09022015). Collection method: clinical testing. Allele origin: germline.
Comment: This sequence change replaces histidine, which is basic and polar, with leucine, which is neutral and non-polar, at codon 130 of the TERF2IP protein (p.His130Leu). This variant is present in population databases (no rsID available, gnomAD 0.002%). This variant has not been reported in the literature in individuals affected with TERF2IP-related conditions. ClinVar contains an entry for this variant (Variation ID: 1735975). An algorithm developed to predict the effect of missense changes on protein structure and function outputs the following: PolyPhen-2: "Benign". The leucine amino acid residue is found in multiple mammalian species, which suggests that this missense change does not adversely affect protein function. In summary, the available evidence is currently insufficient to determine the role of this variant in disease. Therefore, it has been classified as a Variant of Uncertain Significance.

Ambry Genetics
Classification: Likely benign. Last evaluated: 2021-08-10. Review status: criteria provided, single submitter. Criteria: Ambry Variant Classification Scheme 2023. Collection method: clinical testing. Allele origin: germline.

NM_018975.4(TERF2IP):c.389A>T (p.His130Leu)

Gene: TERF2IP (TERF2 interacting protein; plus strand). Cytogenetic location: 16q23.1.
Variant type: single nucleotide variant.
Coding change: c.389A>T on transcript NM_018975.4 (MANE Select); coding-DNA position 389, A replaced by T.
Protein change: p.His130Leu; replaces histidine 130 with leucine.
Molecular consequence: missense variant. On other transcripts: non-coding transcript variant (1).
Genome position (GRCh38, 1-based): chr16:75,648,271, A>T. VCF-style: chr16-75648271-A-T. GRCh37 (hg19) VCF-style: chr16-75682169-A-T.
Other names: short protein forms H130L.
Identifiers: ClinVar variation 1735975 (VCV001735975.5), dbSNP rs955076032, ClinGen allele CA284334435.